The following is an entry in ClinVar:

ClinVar aggregate classification (germline): Likely benign (1 of 4 stars; one submission).

Conditions:
F8-related disorder. Also called: F8-related condition.

Submission:

PreventionGenetics, part of Exact Sciences
Classification: Likely benign for F8-related condition. Last evaluated: 2025-02-18. Review status: criteria provided, single submitter. Criteria: ACMG Guidelines, 2015. Collection method: clinical testing. Allele origin: germline.
Comment: This variant is classified as likely benign based on ACMG/AMP sequence variant interpretation guidelines (Richards et al. 2015 PMID: 25741868, with internal and published modifications).

NM_000132.4(F8):c.5130T>C (p.Phe1710=)

Gene: F8 (coagulation factor VIII; minus strand). Cytogenetic location: Xq28.
Variant type: single nucleotide variant.
Coding change: c.5130T>C on transcript NM_000132.4 (MANE Select); coding-DNA position 5130, T replaced by C.
Protein change: p.Phe1710=; no amino-acid change (phenylalanine 1710 retained).
Molecular consequence: synonymous variant.
Genome position (GRCh38, 1-based): chrX:154,928,660, A>G on the plus strand (T>C on the coding strand, the complement: F8 is on the minus strand). VCF-style: chrX-154928660-A-G. GRCh37 (hg19) VCF-style: chrX-154156935-A-G.
Identifiers: ClinVar variation 4982579 (VCV004982579.1).